The following is an entry in ClinVar:

ClinVar aggregate classification (germline): Uncertain significance. Review status: criteria provided, multiple submitters, no conflicts (2 of 4 stars). 3 submissions from 3 submitters: Uncertain significance (3). Last evaluated 2025-10-23.

Conditions:
Type A2 brachydactyly (BDA2). Also called: Brachymesophalangy type 2; MOHR-WRIEDT TYPE BRACHYDACTYLY; BRACHYMESOPHALANGY II. Identifiers: Orphanet 93396, MedGen C1832702, MONDO:0007216, OMIM 112600, HP:0009372.
Acromesomelic dysplasia 3 (AMD3). Also called: CHONDRODYSPLASIA, ACROMESOMELIC, WITH OR WITHOUT GENITAL ANOMALIES; Acromesomelic dysplasia, Demirhan type. Identifiers: MedGen C4225404, MONDO:0012274, OMIM 609441.

Allele frequency attached by ClinVar (database versions not stated): gnomAD 0.00012; ExAC 0.00014; gnomAD exomes 0.00016 and 0.00018; TOPMed 0.00018; 1000 Genomes Project 30x 0.00031; ESP Exome Variant Server 0.00038; 1000 Genomes Project 0.00040.
gnomAD v4.1: 291 of 1,613,984 alleles (0.018%); highest among the groups gnomAD compares: Middle Eastern, 0.15%; 2 homozygotes.

Submissions (3):

Labcorp Genetics (formerly Invitae), Labcorp
Classification: Uncertain significance for Type A2 brachydactyly; Acromesomelic dysplasia 3. Last evaluated: 2025-10-23. Review status: criteria provided, single submitter. Criteria: Invitae Variant Classification Sherloc (09022015). Collection method: clinical testing. Allele origin: germline.
Comment: This sequence change replaces serine, which is neutral and polar, with glycine, which is neutral and non-polar, at codon 359 of the BMPR1B protein (p.Ser359Gly). This variant is present in population databases (rs201289177, gnomAD 0.04%). This variant has not been reported in the literature in individuals affected with BMPR1B-related conditions. ClinVar contains an entry for this variant (Variation ID: 1041425). An algorithm developed to predict the effect of missense changes on protein structure and function (PolyPhen-2) suggests that this variant is likely to be disruptive. In summary, the available evidence is currently insufficient to determine the role of this variant in disease. Therefore, it has been classified as a Variant of Uncertain Significance.

Blueprint Genetics
Classification: Uncertain significance. Last evaluated: 2024-04-22. Review status: criteria provided, single submitter. Criteria: ACMG Guidelines, 2015. Collection method: clinical testing. Allele origin: germline.

GeneDx
Classification: Uncertain significance. Last evaluated: 2024-01-29. Review status: criteria provided, single submitter. Criteria: GeneDx Variant Classification Process June 2021. Collection method: clinical testing. Allele origin: germline. Affected: yes.
Comment: Identified in siblings with primary ovarian insufficiency in published literature (PMID: 36099812); In silico analysis supports that this missense variant has a deleterious effect on protein structure/function; This variant is associated with the following publications: (PMID: 36099812)

NM_001203.3(BMPR1B):c.1075A>G (p.Ser359Gly)

Gene: BMPR1B (bone morphogenetic protein receptor type 1B; plus strand). Cytogenetic location: 4q22.3.
Variant type: single nucleotide variant.
Coding change: c.1075A>G on transcript NM_001203.3 (MANE Select); coding-DNA position 1075, A replaced by G.
Protein change: p.Ser359Gly; replaces serine 359 with glycine.
Molecular consequence: missense variant.
Genome position (GRCh38, 1-based): chr4:95,131,511, A>G. VCF-style: chr4-95131511-A-G. GRCh37 (hg19) VCF-style: chr4-96052662-A-G.
Other names: c.1075A>G (NM_001203.2); c.1075A>G, p.Ser359Gly (NM_001256792.2, NM_001256794.1); c.1165A>G, p.Ser389Gly (NM_001256793.2); short protein forms S359G, S389G.
Identifiers: ClinVar variation 1041425 (VCV001041425.9), dbSNP rs201289177, ClinGen allele CA3015149.